The following is an entry in ClinVar:

ClinVar aggregate classification (germline): Uncertain significance. Review status: criteria provided, multiple submitters, no conflicts (2 of 4 stars). 3 submissions from 3 submitters: Uncertain significance (3). Last evaluated 2025-01-01.

Allele frequency attached by ClinVar (database versions not stated): ExAC 0.00004; gnomAD exomes 0.00008; gnomAD 0.00010 and 0.00011; TOPMed 0.00010; ESP Exome Variant Server 0.00044.
gnomAD v4.1: 399 of 1,552,026 alleles (0.026%); highest among the groups gnomAD compares: Non-Finnish European, 0.033%; no homozygotes.

Submissions (3):

CeGaT Center for Human Genetics Tuebingen
Classification: Uncertain significance. Last evaluated: 2025-01-01. Review status: criteria provided, single submitter. Criteria: CeGaT Center For Human Genetics Tuebingen Variant Classification Criteria Version 2. Collection method: clinical testing. Allele origin: germline. Affected: yes. Observed: 1 variant allele.
Comment: TET2: PM2, BP4

Labcorp Genetics (formerly Invitae), Labcorp
Classification: Uncertain significance. Last evaluated: 2024-10-16. Review status: criteria provided, single submitter. Criteria: Invitae Variant Classification Sherloc (09022015). Collection method: clinical testing. Allele origin: germline.
Comment: This sequence change replaces arginine, which is basic and polar, with glutamine, which is neutral and polar, at codon 1572 of the TET2 protein (p.Arg1572Gln). This variant is present in population databases (rs201570239, gnomAD 0.01%). This variant has not been reported in the literature in individuals affected with TET2-related conditions. ClinVar contains an entry for this variant (Variation ID: 1337769). An algorithm developed to predict the effect of missense changes on protein structure and function outputs the following: PolyPhen-2: "Benign". The glutamine amino acid residue is found in multiple mammalian species, which suggests that this missense change does not adversely affect protein function. In summary, the available evidence is currently insufficient to determine the role of this variant in disease. Therefore, it has been classified as a Variant of Uncertain Significance.

Genetic Services Laboratory, University of Chicago
Classification: Uncertain significance. Last evaluated: 2021-06-15. Review status: criteria provided, single submitter. Criteria: ACMG Guidelines, 2015. Collection method: clinical testing. Allele origin: germline. Affected: no.
Comment: DNA sequence analysis of the TET2 gene demonstrated a sequence change, c.4715G>A, in exon 11 that results in an amino acid change, p.Arg1572Gln. This sequence change has been described in the gnomAD database with a frequency of 0.017% in the European (non-Finnish) subpopulation (dbSNP rs201570239). The p.Arg1572Gln change affects a moderately conserved amino acid residue located in a domain of the TET2 protein that is not known to be functional. The p.Arg1572Gln substitution appears to be benign using several in-silico pathogenicity prediction tools (SIFT, PolyPhen2-HumVar, Align GVGD, REVEL). This sequence change does not appear to have been previously described in patients with TET2-related disorders. Due insufficient evidences and the lack of functional studies, the clinical significance of the p.Arg1572Gln change remains unknown at this time.

NM_001127208.3(TET2):c.4715G>A (p.Arg1572Gln)

Genes: TET2 (tet methylcytosine dioxygenase 2; plus strand), TET2-AS1 (TET2 antisense RNA 1; minus strand). Cytogenetic location: 4q24.
Variant type: single nucleotide variant.
Coding change: c.4715G>A on transcript NM_001127208.3 (MANE Select); coding-DNA position 4715, G replaced by A.
Protein change: p.Arg1572Gln; replaces arginine 1572 with glutamine.
Molecular consequence: missense variant.
Genome position (GRCh38, 1-based): chr4:105,275,225, G>A. VCF-style: chr4-105275225-G-A. GRCh37 (hg19) VCF-style: chr4-106196382-G-A.
Other names: short protein forms R1572Q.
Identifiers: ClinVar variation 1337769 (VCV001337769.20), dbSNP rs201570239, ClinGen allele CA3032224.